The following is an entry in ClinVar:

ClinVar aggregate classification (germline): Uncertain significance (1 of 4 stars; one submission).

Conditions:
Mitochondrial DNA depletion syndrome 13. Also called: FBXL4-Related Encephalomyopathic Mitochondrial DNA Depletion Syndrome; Mitochondrial DNA depletion syndrome 13 (encephalomyopathic type). Identifiers: Orphanet 369897, MedGen C3809592, MONDO:0014198, OMIM 615471.

Allele frequency attached by ClinVar (database versions not stated): gnomAD exomes below 0.00001 and 0.00001; ExAC 0.00002.
gnomAD v4.1: 6 of 1,613,986 alleles (0.00037%); highest among the groups gnomAD compares: South Asian, 0.0066%; no homozygotes.

Submission:

Wong Mito Lab, Molecular and Human Genetics, Baylor College of Medicine
Classification: Uncertain significance for Mitochondrial DNA depletion syndrome 13. Last evaluated: 2017-08-10. Review status: criteria provided, single submitter. Criteria: ACMG Guidelines, 2015. Collection method: reference population. Allele origin: germline.
Comment: The NM_012160.4:c.590A>C (NP_036292.2:p.Gln197Pro) [GRCH38: NC_000006.12:g.98917642T>G] variant in FBXL4 gene is interpretated to be a Uncertain Significance - Conflicting Evidence based on ACMG guidelines (PMID: 25741868). This variant meets one or more of the following evidence codes reported in the ACMG-guideline. PM2:This variant is absent in key population databases. BP4:Computational evidence/predictors indicate no impact on the FBXL4 structure, function, or protein-protein interaction. Based on this evidence code ClinGen Pathogenicity Calculator (PMID:28081714) suggested that the variant is Uncertain Significance - Conflicting Evidence.

NM_001278716.2(FBXL4):c.590A>C (p.Gln197Pro)

Gene: FBXL4 (F-box and leucine rich repeat protein 4; minus strand). Cytogenetic location: 6q16.2.
Variant type: single nucleotide variant.
Coding change: c.590A>C on transcript NM_001278716.2 (MANE Select); coding-DNA position 590, A replaced by C.
Protein change: p.Gln197Pro; replaces glutamine 197 with proline.
Molecular consequence: missense variant.
Genome position (GRCh38, 1-based): chr6:98,917,642, T>G on the plus strand (A>C on the coding strand, the complement: FBXL4 is on the minus strand). VCF-style: chr6-98917642-T-G. GRCh37 (hg19) VCF-style: chr6-99365518-T-G.
Other names: c.590A>C, p.Gln197Pro (NM_012160.5); short protein forms Q197P.
Identifiers: ClinVar variation 437603 (VCV000437603.1), dbSNP rs768342478, ClinGen allele CA3933650.